The following is an entry in ClinVar:

ClinVar aggregate classification (germline): Uncertain significance. Review status: criteria provided, multiple submitters, no conflicts (2 of 4 stars). 2 submissions from 2 submitters: Uncertain significance (2). Last evaluated 2025-03-18.

Conditions:
Inborn genetic diseases. Identifiers: MedGen C0950123, MeSH D030342.

Submissions (2):

Labcorp Genetics (formerly Invitae), Labcorp
Classification: Uncertain significance. Last evaluated: 2025-03-18. Review status: criteria provided, single submitter. Criteria: Invitae Variant Classification Sherloc (09022015). Collection method: clinical testing. Allele origin: germline.
Comment: This sequence change replaces alanine, which is neutral and non-polar, with proline, which is neutral and non-polar, at codon 1002 of the ASXL1 protein (p.Ala1002Pro). This variant is not present in population databases (gnomAD no frequency). This variant has not been reported in the literature in individuals affected with ASXL1-related conditions. An algorithm developed to predict the effect of missense changes on protein structure and function (PolyPhen-2) suggests that this variant is likely to be disruptive. In summary, the available evidence is currently insufficient to determine the role of this variant in disease. Therefore, it has been classified as a Variant of Uncertain Significance.

Ambry Genetics
Classification: Uncertain significance for Inborn genetic diseases. Last evaluated: 2025-02-16. Review status: criteria provided, single submitter. Criteria: Ambry Variant Classification Scheme 2023. Collection method: clinical testing. Allele origin: germline.
Comment: The p.A1002P variant (also known as c.3004G>C), located in coding exon 13 of the ASXL1 gene, results from a G to C substitution at nucleotide position 3004. The alanine at codon 1002 is replaced by proline, an amino acid with highly similar properties. This amino acid position is conserved. In addition, the in silico prediction for this alteration is inconclusive. Based on the available evidence, the clinical significance of this variant remains unclear.

NM_015338.6(ASXL1):c.3004G>C (p.Ala1002Pro)

Gene: ASXL1 (ASXL transcriptional regulator 1; plus strand). Cytogenetic location: 20q11.21.
Variant type: single nucleotide variant.
Coding change: c.3004G>C on transcript NM_015338.6 (MANE Select); coding-DNA position 3004, G replaced by C.
Protein change: p.Ala1002Pro; replaces alanine 1002 with proline.
Molecular consequence: missense variant.
Genome position (GRCh38, 1-based): chr20:32,435,716, G>C. VCF-style: chr20-32435716-G-C. GRCh37 (hg19) VCF-style: chr20-31023519-G-C.
Other names: c.2821G>C, p.Ala941Pro (NM_001363734.1); short protein forms A1002P, A941P.
Identifiers: ClinVar variation 3793582 (VCV003793582.2).